The following is an entry in ClinVar:

NM_001164508.2(NEB):c.20367+3A>G

Gene: NEB (nebulin; minus strand). Cytogenetic location: 2q23.3.
Variant type: single nucleotide variant.
Coding change: c.20367+3A>G on transcript NM_001164508.2 (MANE Select); 3 bases into the intron after coding-DNA position 20367, A replaced by G.
Molecular consequence: intron variant.
Genome position (GRCh38, 1-based): chr2:151,547,426, T>C on the plus strand (A>G on the coding strand, the complement: NEB is on the minus strand). VCF-style: chr2-151547426-T-C. GRCh37 (hg19) VCF-style: chr2-152403940-T-C.
Other names: c.15264+3A>G (NM_004543.5); c.20367+3A>G (NM_001164507.2, NM_001271208.2).
Identifiers: ClinVar variation 2713605 (VCV002713605.3), dbSNP rs2552178651, ClinGen allele CA2661458803.

ClinVar aggregate classification (germline): Uncertain significance (1 of 4 stars; one submission).

Conditions:
Nemaline myopathy 2 (NEM2). Also called: Nemaline myopathy 2, autosomal recessive. Identifiers: MedGen C1850569, MONDO:0009725, OMIM 256030.

Submission:

Labcorp Genetics (formerly Invitae), Labcorp
Classification: Uncertain significance for Nemaline myopathy 2. Last evaluated: 2023-06-22. Review status: criteria provided, single submitter. Criteria: Invitae Variant Classification Sherloc (09022015). Collection method: clinical testing. Allele origin: germline.
Comment: In summary, the available evidence is currently insufficient to determine the role of this variant in disease. Therefore, it has been classified as a Variant of Uncertain Significance. Variants that disrupt the consensus splice site are a relatively common cause of aberrant splicing (PMID: 17576681, 9536098). Algorithms developed to predict the effect of sequence changes on RNA splicing suggest that this variant may create or strengthen a splice site. This variant has not been reported in the literature in individuals affected with NEB-related conditions. This variant is not present in population databases (gnomAD no frequency). This sequence change falls in intron 133 of the NEB gene. It does not directly change the encoded amino acid sequence of the NEB protein. It affects a nucleotide within the consensus splice site.

Literature cited by the submitters: PubMed 17576681; PubMed 9536098.